The following is an entry in ClinVar:

ClinVar aggregate classification (germline): Pathogenic (1 of 4 stars; one submission).

Submission:

Labcorp Genetics (formerly Invitae), Labcorp
Classification: Pathogenic. Last evaluated: 2023-05-25. Review status: criteria provided, single submitter. Criteria: Invitae Variant Classification Sherloc (09022015). Collection method: clinical testing. Allele origin: germline.
Comment: This variant is not present in population databases (gnomAD no frequency). This sequence change creates a premature translational stop signal (p.Pro462Thrfs*4) in the TCF12 gene. It is expected to result in an absent or disrupted protein product. Loss-of-function variants in TCF12 are known to be pathogenic (PMID: 23354436, 32620954). This variant has not been reported in the literature in individuals affected with TCF12-related conditions. For these reasons, this variant has been classified as Pathogenic.

Literature cited by the submitters: PubMed 23354436; PubMed 32620954.

NM_207037.2(TCF12):c.1382dup (p.Pro462fs)

Gene: TCF12 (transcription factor 12; plus strand). Cytogenetic location: 15q21.3.
Variant type: Duplication.
Coding change: c.1382dup on transcript NM_207037.2 (MANE Select); coding-DNA position 1382, one base duplicated (G; older notation c.1382dupG).
Protein change: p.Pro462fs; shifts the reading frame from proline 462.
Molecular consequence: frameshift variant.
Genome position (GRCh38, 1-based): chr15:57,253,383, G duplicated; the last of 3 consecutive G bases (chr15:57,253,381-57,253,383); duplicating any one gives the same sequence. VCF-style (leftmost placement, unchanged base first): chr15-57253380-T-TG. GRCh37 (hg19) VCF-style: chr15-57545578-T-TG.
Other names: c.872dup, p.Pro292fs (NM_001306219.3); c.602dup, p.Pro202fs (NM_001306220.3); c.1382dup, p.Pro462fs (NM_001322151.2, NM_001322152.2, NM_001322159.3 and 2 more transcripts); c.725dup, p.Pro243fs (NM_001322154.2); c.1208dup, p.Pro404fs (NM_001322156.2); c.1310dup, p.Pro438fs (NM_001322157.3, NM_001322165.2, NM_003205.4 and 1 more transcripts); c.1136dup, p.Pro380fs (NM_001322158.2); c.1379dup, p.Pro461fs (NM_001322161.2); and 2 more; short protein forms P438fs, P202fs, P450fs, P462fs, P461fs, P243fs, P268fs, P292fs.
Identifiers: ClinVar variation 2723899 (VCV002723899.3), dbSNP rs2551485019, ClinGen allele CA2697549119.